The following is an entry in ClinVar:

ClinVar aggregate classification (germline): Benign (1 of 4 stars; one submission).

Conditions:
Lynch syndrome 5 (LYNCH5). Also called: Colorectal cancer, hereditary nonpolyposis, type 5; Hereditary non-polyposis colorectal cancer, type 5. Identifiers: Orphanet 144, MedGen C1833477, MONDO:0013710, OMIM 614350. Disease mechanism: loss of function.

gnomAD v4.1: 1 of 1,614,214 alleles (0.000062%); no homozygotes.

Submission:

Myriad Genetics, Inc.
Classification: Benign for Lynch syndrome 5. Last evaluated: 2024-12-18. Review status: criteria provided, single submitter. Criteria: Myriad Autosomal Dominant, Autosomal Recessive and X-Linked Classification Criteria (2023). Collection method: clinical testing. Allele origin: unknown.
Comment: This variant is considered benign. This variant is a silent/synonymous amino acid change and it is not expected to impact splicing.

NM_000179.3(MSH6):c.405T>C (p.Asp135=)

Gene: MSH6 (mutS homolog 6; plus strand). Cytogenetic location: 2p16.3.
Variant type: single nucleotide variant.
Coding change: c.405T>C on transcript NM_000179.3 (MANE Select); coding-DNA position 405, T replaced by C.
Protein change: p.Asp135=; no amino-acid change (aspartic acid 135 retained).
Molecular consequence: synonymous variant. On other transcripts: 5 prime UTR variant (7), non-coding transcript variant (5), intron variant (6).
Genome position (GRCh38, 1-based): chr2:47,791,071, T>C. VCF-style: chr2-47791071-T-C. GRCh37 (hg19) VCF-style: chr2-48018210-T-C.
Other names: c.-332T>C (NM_001281493.2, NM_001406811.1, NM_001406823.1 and 1 more transcripts); c.-498T>C (NM_001281494.2); c.501T>C, p.Asp167= (NM_001406795.1, NM_001406802.1); c.405T>C, p.Asp135= (NM_001406796.1, NM_001406798.1, NM_001406800.1 and 6 more transcripts); c.108T>C, p.Asp36= (NM_001406797.1, NM_001406801.1, NM_001406805.1 and 10 more transcripts); c.327T>C, p.Asp109= (NM_001406804.1); c.-524T>C (NM_001406807.1); c.-590T>C (NM_001406814.1); and 5 more.
Identifiers: ClinVar variation 3904000 (VCV003904000.1).